The following is an entry in ClinVar:

ClinVar aggregate classification (germline): Uncertain significance. Review status: criteria provided, multiple submitters, no conflicts (2 of 4 stars). 2 submissions from 2 submitters: Uncertain significance (2). Last evaluated 2026-03-27.

Conditions:
JAG1-related disorder. Also called: JAG1-related disorders; JAG1-related condition.

Submissions (2):

GeneDx
Classification: Uncertain significance. Last evaluated: 2026-03-27. Review status: criteria provided, single submitter. Criteria: GeneDx Variant Classification Process June 2021. Collection method: clinical testing. Allele origin: germline.
Comment: Not observed at significant frequency in large population cohorts (gnomAD); In silico analysis supports that this missense variant has a deleterious effect on protein structure/function; Has not been previously published as pathogenic or benign to our knowledge

PreventionGenetics, part of Exact Sciences
Classification: Uncertain significance for JAG1-related condition. Last evaluated: 2025-11-19. Review status: criteria provided, single submitter. Criteria: ACMG Guidelines, 2015. Collection method: clinical testing. Allele origin: germline.
Comment: The JAG1 c.2426C>T variant is predicted to result in the amino acid substitution p.Ala809Val. To our knowledge, this variant has not been reported in the literature or in a large population database (gnomAD), indicating this variant is rare. At this time, the clinical significance of this variant is uncertain due to the absence of conclusive functional and genetic evidence.

NM_000214.3(JAG1):c.2426C>T (p.Ala809Val)

Gene: JAG1 (jagged canonical Notch ligand 1; minus strand). Cytogenetic location: 20p12.2.
Variant type: single nucleotide variant.
Coding change: c.2426C>T on transcript NM_000214.3 (MANE Select); coding-DNA position 2426, C replaced by T.
Protein change: p.Ala809Val; replaces alanine 809 with valine.
Molecular consequence: missense variant.
Genome position (GRCh38, 1-based): chr20:10,643,810, G>A on the plus strand (C>T on the coding strand, the complement: JAG1 is on the minus strand). VCF-style: chr20-10643810-G-A. GRCh37 (hg19) VCF-style: chr20-10624458-G-A.
Other names: short protein forms A809V.
Identifiers: ClinVar variation 4990868 (VCV004990868.2).
Genomic context (GRCh38, chr20:10,643,810, plus strand): 5'-GGGAAAACCAGACGGAGACAGTCCTTACTTATTCTGCAGTCGGGCCCAGCAAAACCCGGG[G>A]CACATTCGCACCGGTACCAGTTGTCTCCATCCACACAGGTGCCGCTGTTGTAACTAAGAA-3'
Protein context (NP_000205.1, residues 799-819): DGDNWYRCEC[Ala809Val]PGFAGPDCRI